The following is an entry in ClinVar:

ClinVar aggregate classification (germline): Benign/Likely benign. Review status: criteria provided, multiple submitters, no conflicts (2 of 4 stars). 4 submissions from 4 submitters: Benign (1); Likely benign (3). Last evaluated 2024-05-28.

Conditions:
Hereditary cancer-predisposing syndrome. Also called: Neoplastic Syndromes, Hereditary; Hereditary Cancer Syndrome; Tumor predisposition; Hereditary neoplastic syndrome. Identifiers: Orphanet 140162, MedGen C0027672, MeSH D009386, MONDO:0015356.
Familial cancer of breast. Also called: Hereditary breast cancer; BREAST CANCER, FAMILIAL; hereditary breast carcinoma. Identifiers: Orphanet 227535, MedGen C0346153, MONDO:0016419, OMIM 114480. Disease mechanism: loss of function.
Ataxia-telangiectasia syndrome (AT). Also called: LOUIS-BAR SYNDROME; Cerebello-oculocutaneous telangiectasia; Immunodeficiency with ataxia telangiectasia; Ataxia-telangiectasia, complementation group D; AT, COMPLEMENTATION GROUP C; Ataxia-telangiectasia, complementation group E. Identifiers: Orphanet 100, MedGen C0004135, MONDO:0008840, OMIM 208900.

Submissions (4):

Myriad Genetics, Inc.
Classification: Benign for Familial cancer of breast. Last evaluated: 2024-05-28. Review status: criteria provided, single submitter. Criteria: Myriad Autosomal Dominant, Autosomal Recessive and X-Linked Classification Criteria (2023). Collection method: clinical testing. Allele origin: unknown.
Comment: This variant is considered benign. This variant is a silent/synonymous amino acid change and it is not expected to impact splicing.

Labcorp Genetics (formerly Invitae), Labcorp
Classification: Likely benign for Ataxia-telangiectasia syndrome. Last evaluated: 2023-06-24. Review status: criteria provided, single submitter. Criteria: Invitae Variant Classification Sherloc (09022015). Collection method: clinical testing. Allele origin: germline.

Ambry Genetics
Classification: Likely benign for Hereditary cancer-predisposing syndrome. Last evaluated: 2021-10-02. Review status: criteria provided, single submitter. Criteria: Ambry Variant Classification Scheme 2023. Collection method: clinical testing. Allele origin: germline.

Color Diagnostics, LLC DBA Color Health
Classification: Likely benign for Hereditary cancer-predisposing syndrome. Last evaluated: 2017-09-11. Review status: criteria provided, single submitter. Criteria: ACMG Guidelines, 2015. Collection method: clinical testing. Allele origin: germline.

NM_000051.4(ATM):c.5967G>A (p.Leu1989=)

Genes: ATM (ATM serine/threonine kinase; plus strand), C11orf65 (chromosome 11 open reading frame 65; minus strand). Cytogenetic location: 11q22.3.
Variant type: single nucleotide variant.
Coding change: c.5967G>A on transcript NM_000051.4 (MANE Select); coding-DNA position 5967, G replaced by A.
Protein change: p.Leu1989=; no amino-acid change (leucine 1989 retained).
Molecular consequence: synonymous variant. On other transcripts: intron variant (2).
Genome position (GRCh38, 1-based): chr11:108,312,459, G>A. VCF-style: chr11-108312459-G-A. GRCh37 (hg19) VCF-style: chr11-108183186-G-A.
Other names: c.5967G>A, p.Leu1989= (NM_001351834.2); c.641-3388C>T (NM_001330368.2); c.*39-3388C>T (NM_001351110.2).
Identifiers: ClinVar variation 490635 (VCV000490635.17), dbSNP rs1555111833, ClinGen allele CA476675550.